The following is an entry in ClinVar:

NM_025137.4(SPG11):c.6176G>T (p.Arg2059Leu)

Gene: SPG11 (SPG11 vesicle trafficking associated, spatacsin; minus strand). Cytogenetic location: 15q21.1.
Variant type: single nucleotide variant.
Coding change: c.6176G>T on transcript NM_025137.4 (MANE Select); coding-DNA position 6176, G replaced by T.
Protein change: p.Arg2059Leu; replaces arginine 2059 with leucine.
Molecular consequence: missense variant. On other transcripts: intron variant (1).
Genome position (GRCh38, 1-based): chr15:44,573,576, C>A on the plus strand (G>T on the coding strand, the complement: SPG11 is on the minus strand). VCF-style: chr15-44573576-C-A. GRCh37 (hg19) VCF-style: chr15-44865774-C-A.
Other names: c.5867-756G>T (NM_001160227.2); short protein forms R2059L.
Identifiers: ClinVar variation 466551 (VCV000466551.8), dbSNP rs757619567, ClinGen allele CA392218147.
Genomic context (GRCh38, chr15:44,573,576, plus strand): 5'-AGAGGTTGGGAATCCCCGGGGGGTAGGGCACCTGTTCCCTGTGATGAAGTAAGCAGCTCC[C>A]GTGTCACCTCTTCTGCCACGAGTTCAGCCACAGTATCTGGCTTAAGGCCCTGTGTGCTGA-3'
Protein context (NP_079413.3, residues 2049-2069): VAELVAEEVT[Arg2059Leu]ELLTSSQGTG

ClinVar aggregate classification (germline): Uncertain significance (1 of 4 stars; one submission).

Conditions:
Hereditary spastic paraplegia 11. Also called: SPASTIC PARAPLEGIA, AUTOSOMAL RECESSIVE, COMPLICATED, WITH THIN CORPUS CALLOSUM; SPASTIC PARAPLEGIA, AUTOSOMAL RECESSIVE, WITH MENTAL IMPAIRMENT AND THIN CORPUS CALLOSUM; Nakamura Osame syndrome; Autosomal recessive hereditary spastic paraplegia, mental impairment, and thin corpus callosum; Spastic paraplegia, mental retardation and thin corpus callosum; Spastic Paraplegia 11. Identifiers: Orphanet 2822, MedGen C1858479, MONDO:0011445, OMIM 604360.

Submission:

Labcorp Genetics (formerly Invitae), Labcorp
Classification: Uncertain significance for Hereditary spastic paraplegia 11. Last evaluated: 2017-05-27. Review status: criteria provided, single submitter. Criteria: Invitae Variant Classification Sherloc (09022015). Collection method: clinical testing. Allele origin: germline.
Comment: This sequence change replaces arginine with leucine at codon 2059 of the SPG11 protein (p.Arg2059Leu). The arginine residue is moderately conserved and there is a moderate physicochemical difference between arginine and leucine. This variant is not present in population databases (ExAC no frequency). In summary, this variant has uncertain impact on SPG11 function. The available evidence is currently insufficient to determine its role in disease. Therefore, it has been classified as a Variant of Uncertain Significance. Algorithms developed to predict the effect of missense changes on protein structure and function (SIFT, PolyPhen-2, Align-GVGD) all suggest that this variant is likely to be tolerated, but these predictions have not been confirmed by published functional studies and their clinical significance is uncertain. This variant has not been reported in the literature in individuals with an SPG11-related disease.